The following is an entry in ClinVar:

NM_000393.5(COL5A2):c.3802G>T (p.Val1268Phe)

Gene: COL5A2 (collagen type V alpha 2 chain; minus strand). Cytogenetic location: 2q32.2.
Variant type: single nucleotide variant.
Coding change: c.3802G>T on transcript NM_000393.5 (MANE Select); coding-DNA position 3802, G replaced by T.
Protein change: p.Val1268Phe; replaces valine 1268 with phenylalanine.
Molecular consequence: missense variant.
Genome position (GRCh38, 1-based): chr2:189,039,395, C>A on the plus strand (G>T on the coding strand, the complement: COL5A2 is on the minus strand). VCF-style: chr2-189039395-C-A. GRCh37 (hg19) VCF-style: chr2-189904121-C-A.
Other names: short protein forms V1268F.
Identifiers: ClinVar variation 2887574 (VCV002887574.3), dbSNP rs2469221206, ClinGen allele CA349857767.

ClinVar aggregate classification (germline): Uncertain significance (1 of 4 stars; one submission).

Conditions:
Ehlers-Danlos syndrome, classic type, 1 (EDSCL1). Also called: EDS I; EHLERS-DANLOS SYNDROME, GRAVIS TYPE; EHLERS-DANLOS SYNDROME, SEVERE CLASSIC TYPE; Ehlers-Danlos syndrome, type 1; Ehlers-Danlos Syndrome, Classic Type, COL5A1-Related. Identifiers: MedGen C0268335, MONDO:0019567, OMIM 130000.

Submission:

Labcorp Genetics (formerly Invitae), Labcorp
Classification: Uncertain significance for Ehlers-Danlos syndrome, classic type, 1. Last evaluated: 2023-02-16. Review status: criteria provided, single submitter. Criteria: Invitae Variant Classification Sherloc (09022015). Collection method: clinical testing. Allele origin: germline.
Comment: This sequence change replaces valine, which is neutral and non-polar, with phenylalanine, which is neutral and non-polar, at codon 1268 of the COL5A2 protein (p.Val1268Phe). This variant is not present in population databases (gnomAD no frequency). This variant has not been reported in the literature in individuals affected with COL5A2-related conditions. Advanced modeling of protein sequence and biophysical properties (such as structural, functional, and spatial information, amino acid conservation, physicochemical variation, residue mobility, and thermodynamic stability) performed at Invitae indicates that this missense variant is not expected to disrupt COL5A2 protein function. In summary, the available evidence is currently insufficient to determine the role of this variant in disease. Therefore, it has been classified as a Variant of Uncertain Significance.